The following is an entry in ClinVar:

NM_002336.3(LRP6):c.1031T>C (p.Leu344Ser)

Gene: LRP6 (LDL receptor related protein 6; minus strand). Cytogenetic location: 12p13.2.
Variant type: single nucleotide variant.
Coding change: c.1031T>C on transcript NM_002336.3 (MANE Select); coding-DNA position 1031, T replaced by C.
Protein change: p.Leu344Ser; replaces leucine 344 with serine.
Molecular consequence: missense variant. On other transcripts: non-coding transcript variant (1).
Genome position (GRCh38, 1-based): chr12:12,181,385, A>G on the plus strand (T>C on the coding strand, the complement: LRP6 is on the minus strand). VCF-style: chr12-12181385-A-G. GRCh37 (hg19) VCF-style: chr12-12334319-A-G.
Other names: c.1031T>C, p.Leu344Ser (NM_001414244.1, NM_001414245.1, NM_001414246.1 and 5 more transcripts); c.833T>C, p.Leu278Ser (NM_001414247.1); c.578T>C, p.Leu193Ser (NM_001414252.1, NM_001414253.1, NM_001414254.1); short protein forms L193S, L344S, L278S.
Identifiers: ClinVar variation 4738784 (VCV004738784.1).

ClinVar aggregate classification (germline): Uncertain significance (1 of 4 stars; one submission).

Submission:

Labcorp Genetics (formerly Invitae), Labcorp
Classification: Uncertain significance. Last evaluated: 2025-10-26. Review status: criteria provided, single submitter. Criteria: Invitae Variant Classification Sherloc (09022015). Collection method: clinical testing. Allele origin: germline.
Comment: This sequence change replaces leucine, which is neutral and non-polar, with serine, which is neutral and polar, at codon 344 of the LRP6 protein (p.Leu344Ser). This variant is not present in population databases (gnomAD no frequency). This variant has not been reported in the literature in individuals affected with LRP6-related conditions. Invitae Evidence Modeling of protein sequence and biophysical properties (such as structural, functional, and spatial information, amino acid conservation, physicochemical variation, residue mobility, and thermodynamic stability) indicates that this missense variant is expected to disrupt LRP6 protein function with a positive predictive value of 80%. In summary, the available evidence is currently insufficient to determine the role of this variant in disease. Therefore, it has been classified as a Variant of Uncertain Significance.